The following is an entry in ClinVar:

NM_201550.4(LRRC10):c.50G>C (p.Cys17Ser)

Gene: LRRC10 (leucine rich repeat containing 10; minus strand). Cytogenetic location: 12q15.
Variant type: single nucleotide variant.
Coding change: c.50G>C on transcript NM_201550.4 (MANE Select); coding-DNA position 50, G replaced by C.
Protein change: p.Cys17Ser; replaces cysteine 17 with serine.
Molecular consequence: missense variant.
Genome position (GRCh38, 1-based): chr12:69,610,789, C>G on the plus strand (G>C on the coding strand, the complement: LRRC10 is on the minus strand). VCF-style: chr12-69610789-C-G. GRCh37 (hg19) VCF-style: chr12-70004569-C-G.
Other names: short protein forms C17S.
Identifiers: ClinVar variation 2964264 (VCV002964264.3), dbSNP rs757642464, ClinGen allele CA6681150.

ClinVar aggregate classification (germline): Uncertain significance (1 of 4 stars; one submission).

Allele frequency attached by ClinVar (database versions not stated): gnomAD 0.00001.
gnomAD v4.1: 6 of 1,613,426 alleles (0.00037%); highest among the groups gnomAD compares: Non-Finnish European, 0.00051%; 1 homozygote.

Submission:

Labcorp Genetics (formerly Invitae), Labcorp
Classification: Uncertain significance. Last evaluated: 2023-07-25. Review status: criteria provided, single submitter. Criteria: Invitae Variant Classification Sherloc (09022015). Collection method: clinical testing. Allele origin: germline.
Comment: In summary, the available evidence is currently insufficient to determine the role of this variant in disease. Therefore, it has been classified as a Variant of Uncertain Significance. An algorithm developed to predict the effect of missense changes on protein structure and function (PolyPhen-2) suggests that this variant is likely to be disruptive. This variant has not been reported in the literature in individuals affected with LRRC10-related conditions. This variant is present in population databases (rs757642464, gnomAD 0.0009%). This sequence change replaces cysteine, which is neutral and slightly polar, with serine, which is neutral and polar, at codon 17 of the LRRC10 protein (p.Cys17Ser).